The following is an entry in ClinVar:

NM_172107.4(KCNQ2):c.1247+6T>A

Gene: KCNQ2 (potassium voltage-gated channel subfamily Q member 2; minus strand). Cytogenetic location: 20q13.33.
Variant type: single nucleotide variant.
Coding change: c.1247+6T>A on transcript NM_172107.4 (MANE Select); 6 bases into the intron after coding-DNA position 1247, T replaced by A.
Molecular consequence: intron variant.
Genome position (GRCh38, 1-based): chr20:63,424,171, A>T on the plus strand (T>A on the coding strand, the complement: KCNQ2 is on the minus strand). VCF-style: chr20-63424171-A-T. GRCh37 (hg19) VCF-style: chr20-62055524-A-T.
Other names: c.1217+6T>A (NM_004518.6); c.1247+6T>A (NM_172108.5, NM_172106.3, NM_001382235.1).
Identifiers: ClinVar variation 2721712 (VCV002721712.3), dbSNP rs2516278328, ClinGen allele CA2653802230.

ClinVar aggregate classification (germline): Uncertain significance (1 of 4 stars; one submission).

Conditions:
Early-infantile DEE. Also called: Early infantile epileptic encephalopathy; Early infantile epileptic encephalopathy with suppression bursts; Ohtahara syndrome. Identifiers: Orphanet 1934, MedGen C0393706, MONDO:0800491.

Allele frequency attached by ClinVar (database versions not stated): gnomAD exomes below 0.00001.
gnomAD v4.1: 1 of 1,556,132 alleles (0.000064%); highest among the groups gnomAD compares: South Asian, 0.0012%; no homozygotes.

Submission:

Labcorp Genetics (formerly Invitae), Labcorp
Classification: Uncertain significance for Early-infantile DEE. Last evaluated: 2023-10-25. Review status: criteria provided, single submitter. Criteria: Invitae Variant Classification Sherloc (09022015). Collection method: clinical testing. Allele origin: germline.
Comment: This sequence change falls in intron 11 of the KCNQ2 gene. It does not directly change the encoded amino acid sequence of the KCNQ2 protein. It affects a nucleotide within the consensus splice site. This variant is not present in population databases (gnomAD no frequency). This variant has not been reported in the literature in individuals affected with KCNQ2-related conditions. Variants that disrupt the consensus splice site are a relatively common cause of aberrant splicing (PMID: 17576681, 9536098). Algorithms developed to predict the effect of sequence changes on RNA splicing suggest that this variant may disrupt the consensus splice site. In summary, the available evidence is currently insufficient to determine the role of this variant in disease. Therefore, it has been classified as a Variant of Uncertain Significance.

Literature cited by the submitters: PubMed 17576681; PubMed 9536098.